The following is an entry in ClinVar:

NM_006031.6(PCNT):c.5817del (p.Phe1940fs)

Gene: PCNT (pericentrin; plus strand). Cytogenetic location: 21q22.3.
Variant type: Deletion.
Coding change: c.5817del on transcript NM_006031.6 (MANE Select); coding-DNA position 5817, one base deleted (G; older notation c.5817delG).
Protein change: p.Phe1940fs; shifts the reading frame from phenylalanine 1940.
Molecular consequence: frameshift variant.
Genome position (GRCh38, 1-based): chr21:46,411,890, G deleted; the last of 2 consecutive G bases (chr21:46,411,889-46,411,890); deleting either gives the same sequence. VCF-style (leftmost placement, unchanged base first): chr21-46411888-CG-C. GRCh37 (hg19) VCF-style: chr21-47831802-CG-C.
Other names: c.5463del, p.Phe1822fs (NM_001315529.2); short protein forms F1822fs, F1940fs.
Identifiers: ClinVar variation 2747764 (VCV002747764.3), dbSNP rs2518772442, ClinGen allele CA2655023994.

ClinVar aggregate classification (germline): Pathogenic (1 of 4 stars; one submission).

Submission:

Labcorp Genetics (formerly Invitae), Labcorp
Classification: Pathogenic. Last evaluated: 2023-08-06. Review status: criteria provided, single submitter. Criteria: Invitae Variant Classification Sherloc (09022015). Collection method: clinical testing. Allele origin: germline.
Comment: This sequence change creates a premature translational stop signal (p.Phe1940Serfs*2) in the PCNT gene. It is expected to result in an absent or disrupted protein product. Loss-of-function variants in PCNT are known to be pathogenic (PMID: 18174396, 22821869). This variant is not present in population databases (gnomAD no frequency). This variant has not been reported in the literature in individuals affected with PCNT-related conditions. For these reasons, this variant has been classified as Pathogenic.

Literature cited by the submitters: PubMed 18174396; PubMed 22821869.